The following is an entry in ClinVar:

NM_000173.7(GP1BA):c.814G>A (p.Val272Ile)

Gene: GP1BA (glycoprotein Ib platelet subunit alpha; plus strand). Cytogenetic location: 17p13.2.
Variant type: single nucleotide variant.
Coding change: c.814G>A on transcript NM_000173.7 (MANE Select); coding-DNA position 814, G replaced by A.
Protein change: p.Val272Ile; replaces valine 272 with isoleucine.
Molecular consequence: missense variant.
Genome position (GRCh38, 1-based): chr17:4,933,418, G>A. VCF-style: chr17-4933418-G-A. GRCh37 (hg19) VCF-style: chr17-4836713-G-A.
Other names: short protein forms V272I.
Identifiers: ClinVar variation 3067427 (VCV003067427.22), dbSNP rs546035317, ClinGen allele CA8314842.
Genomic context (GRCh38, chr17:4,933,418, plus strand): 5'-GTCAAGGCCATGACCTCTAACGTGGCCAGTGTGCAGTGTGACAATTCAGACAAGTTTCCC[G>A]TCTACAAATACCCAGGAAAGGGGTGCCCCACCCTTGGTGATGAAGGTGACACAGACCTAT-3'
Protein context (NP_000164.5, residues 262-282): VQCDNSDKFP[Val272Ile]YKYPGKGCPT

ClinVar aggregate classification (germline): Uncertain significance. Review status: criteria provided, multiple submitters, no conflicts (2 of 4 stars). 2 submissions from 2 submitters: Uncertain significance (2). Last evaluated 2026-03-04.

Allele frequency attached by ClinVar (database versions not stated): gnomAD exomes 0.00004; ExAC 0.00005; TOPMed 0.00005; gnomAD 0.00006; 1000 Genomes Project 0.00020; 1000 Genomes Project 30x 0.00031.

Submissions (2):

Women's Health and Genetics/Laboratory Corporation of America, LabCorp
Classification: Uncertain significance. Last evaluated: 2026-03-04. Review status: criteria provided, single submitter. Criteria: LabCorp Variant Classification Summary - May 2015. Collection method: clinical testing. Allele origin: germline.
Comment: Variant summary: GP1BA c.814G>A (p.Val272Ile) results in a conservative amino acid change in the encoded protein sequence. Algorithms developed to predict the effect of missense changes on protein structure and function all suggest that this variant is likely to be tolerated. The variant allele was found at a frequency of 5.6e-05 in 249272 control chromosomes. This frequency is not significantly higher than estimated for disease-causing variants in GP1BA, allowing no conclusion about variant significance. c.814G>A has been observed in individual(s) affected with cerebral vein thrombosis (Kramer_2023). These report(s) do not provide unequivocal conclusions about association of the variant with Bernard-Soulier Syndrome, Type A2, Autosomal Dominant. To our knowledge, no experimental evidence demonstrating an impact on protein function has been reported. The following publication has been ascertained in the context of this evaluation (PMID: 37175682). ClinVar contains an entry for this variant (Variation ID: 3067427). Based on the evidence outlined above, the variant was classified as uncertain significance.

CeGaT Center for Human Genetics Tuebingen
Classification: Uncertain significance. Last evaluated: 2024-03-01. Review status: criteria provided, single submitter. Criteria: CeGaT Center For Human Genetics Tuebingen Variant Classification Criteria Version 2. Collection method: clinical testing. Allele origin: germline. Affected: yes. Observed: 1 variant allele.
Comment: GP1BA: PM2, BP4

Literature cited by the submitters: PubMed 37175682 (cited by Women's Health and Genetics/Laboratory Corporation of America, LabCorp).